The following is an entry in ClinVar:

ClinVar aggregate classification (germline): Uncertain significance. Review status: criteria provided, multiple submitters, no conflicts (2 of 4 stars). 2 submissions from 2 submitters: Uncertain significance (2). Last evaluated 2025-05-31.

Conditions:
Inborn genetic diseases. Identifiers: MedGen C0950123, MeSH D030342.
Autosomal recessive severe congenital neutropenia due to G6PC3 deficiency. Also called: NEUTROPENIA, SEVERE CONGENITAL, 4, AUTOSOMAL RECESSIVE; G6PC3 Deficiency. Identifiers: Orphanet 331176, MedGen C2751630, MONDO:0012930, OMIM 612541.

Allele frequency attached by ClinVar (database versions not stated): gnomAD 0.00001; gnomAD exomes below 0.00001.
gnomAD v4.1: 4 of 1,612,784 alleles (0.00025%); highest among the groups gnomAD compares: African/African-American, 0.0027%; no homozygotes.

Submissions (2):

Ambry Genetics
Classification: Uncertain significance for Inborn genetic diseases. Last evaluated: 2025-05-31. Review status: criteria provided, single submitter. Criteria: Ambry Variant Classification Scheme 2023. Collection method: clinical testing. Allele origin: germline.
Comment: The p.I177V variant (also known as c.529A>G), located in coding exon 4 of the G6PC3 gene, results from an A to G substitution at nucleotide position 529. The isoleucine at codon 177 is replaced by valine, an amino acid with highly similar properties. This amino acid position is conserved. In addition, this alteration is predicted to be tolerated by in silico analysis. Based on the available evidence, the clinical significance of this variant remains unclear.

Labcorp Genetics (formerly Invitae), Labcorp
Classification: Uncertain significance for Autosomal recessive severe congenital neutropenia due to G6PC3 deficiency. Last evaluated: 2022-03-19. Review status: criteria provided, single submitter. Criteria: Invitae Variant Classification Sherloc (09022015). Collection method: clinical testing. Allele origin: germline.
Comment: This sequence change replaces isoleucine, which is neutral and non-polar, with valine, which is neutral and non-polar, at codon 177 of the G6PC3 protein (p.Ile177Val). The frequency data for this variant in the population databases is considered unreliable, as metrics indicate poor data quality at this position in the gnomAD database. This variant has not been reported in the literature in individuals affected with G6PC3-related conditions. Algorithms developed to predict the effect of missense changes on protein structure and function output the following: SIFT: "Tolerated"; PolyPhen-2: "Benign"; Align-GVGD: "Class C0". The valine amino acid residue is found in multiple mammalian species, which suggests that this missense change does not adversely affect protein function. In summary, the available evidence is currently insufficient to determine the role of this variant in disease. Therefore, it has been classified as a Variant of Uncertain Significance.

NM_138387.4(G6PC3):c.529A>G (p.Ile177Val)

Gene: G6PC3 (glucose-6-phosphatase catalytic subunit 3; plus strand). Cytogenetic location: 17q21.31.
Variant type: single nucleotide variant.
Coding change: c.529A>G on transcript NM_138387.4 (MANE Select); coding-DNA position 529, A replaced by G.
Protein change: p.Ile177Val; replaces isoleucine 177 with valine.
Molecular consequence: missense variant. On other transcripts: intron variant (1).
Genome position (GRCh38, 1-based): chr17:44,075,081, A>G. VCF-style: chr17-44075081-A-G. GRCh37 (hg19) VCF-style: chr17-42152449-A-G.
Other names: c.184A>G, p.Ile62Val (NM_001384165.1, NM_001384166.1, NM_001384167.1 and 1 more transcripts); c.417-229A>G (NM_001319945.2); short protein forms I62V, I177V.
Identifiers: ClinVar variation 2172894 (VCV002172894.2), dbSNP rs1406845751, ClinGen allele CA399727152.